The following is an entry in ClinVar:

NM_017777.4(MKS1):c.1529G>A (p.Arg510Gln)

Gene: MKS1 (MKS transition zone complex subunit 1; minus strand). Cytogenetic location: 17q22.
Variant type: single nucleotide variant.
Coding change: c.1529G>A on transcript NM_017777.4 (MANE Select); coding-DNA position 1529, G replaced by A.
Protein change: p.Arg510Gln; replaces arginine 510 with glutamine.
Molecular consequence: missense variant. On other transcripts: synonymous variant (1).
Genome position (GRCh38, 1-based): chr17:58,206,342, C>T on the plus strand (G>A on the coding strand, the complement: MKS1 is on the minus strand). VCF-style: chr17-58206342-C-T. GRCh37 (hg19) VCF-style: chr17-56283703-C-T.
Other names: c.920G>A, p.Arg307Gln (NM_001321268.2); c.1446G>A, p.Ala482= (NM_001321269.2); c.1312G>A, p.Gly438Arg (NM_001330397.2); short protein forms G438R, R307Q, R510Q.
Identifiers: ClinVar variation 1197981 (VCV001197981.6), dbSNP rs373843986, ClinGen allele CA8669092.

ClinVar aggregate classification (germline): Uncertain significance. Review status: criteria provided, multiple submitters, no conflicts (2 of 4 stars). 4 submissions from 4 submitters: Uncertain significance (2). 2 of the submissions do not count toward it. Last evaluated 2022-07-13.

Conditions:
Joubert syndrome. Also called: Familial aplasia of the vermis; JOUBERT-BOLTSHAUSER SYNDROME. Identifiers: Orphanet 475, MedGen C5979921, MONDO:0018772.
Meckel-Gruber syndrome. Also called: Dysencephalia splachnocystica; DYSENCEPHALIA SPLANCHNOCYSTICA; GRUBER SYNDROME. Identifiers: Orphanet 564, MedGen C0265215, MONDO:0018921.
MKS1-related disorder. Also called: MKS1-related condition; MKS1-related disorders. Identifiers: MedGen CN239382.
Meckel syndrome, type 1 (MKS1). Also called: MECKEL-GRUBER SYNDROME, TYPE 1. Identifiers: Orphanet 564, MedGen C3714506, MONDO:0009571, OMIM 249000.

Allele frequency attached by ClinVar (database versions not stated): gnomAD 0.00001; TOPMed 0.00001; ExAC 0.00002; ESP Exome Variant Server 0.00008.
gnomAD v4.1: 28 of 1,613,940 alleles (0.0017%); highest among the groups gnomAD compares: Middle Eastern, 0.23%; no homozygotes.

Submissions (4):

Labcorp Genetics (formerly Invitae), Labcorp
Classification: Uncertain significance for Joubert syndrome; Meckel-Gruber syndrome. Last evaluated: 2022-07-13. Review status: criteria provided, single submitter. Criteria: Invitae Variant Classification Sherloc (09022015). Collection method: clinical testing. Allele origin: germline.
Comment: This sequence change replaces arginine, which is basic and polar, with glutamine, which is neutral and polar, at codon 510 of the MKS1 protein (p.Arg510Gln). This variant is present in population databases (rs373843986, gnomAD 0.03%). This variant has not been reported in the literature in individuals affected with MKS1-related conditions. ClinVar contains an entry for this variant (Variation ID: 1197981). Advanced modeling of protein sequence and biophysical properties (such as structural, functional, and spatial information, amino acid conservation, physicochemical variation, residue mobility, and thermodynamic stability) performed at Invitae indicates that this missense variant is not expected to disrupt MKS1 protein function. In summary, the available evidence is currently insufficient to determine the role of this variant in disease. Therefore, it has been classified as a Variant of Uncertain Significance.

GeneDx
Classification: Uncertain significance. Last evaluated: 2020-09-29. Review status: criteria provided, single submitter. Criteria: GeneDx Variant Classification Process June 2021. Collection method: clinical testing. Allele origin: germline. Affected: yes.
Comment: In silico analysis supports that this missense variant does not alter protein structure/function; Has not been previously published as pathogenic or benign to our knowledge

PreventionGenetics, part of Exact Sciences
Classification: Uncertain significance for MKS1-related condition. Last evaluated: 2024-08-01. Review status: no assertion criteria provided. Collection method: clinical testing. Allele origin: germline. Not counted in ClinVar's aggregate classification.
Comment: The MKS1 c.1529G>A variant is predicted to result in the amino acid substitution p.Arg510Gln. To our knowledge, this variant has not been reported in the literature. This variant is reported in 0.026% of alleles in individuals of East Asian descent in gnomAD. At this time, the clinical significance of this variant is uncertain due to the absence of conclusive functional and genetic evidence.

Natera, Inc.
Classification: Uncertain significance for Meckel syndrome type 1. Last evaluated: 2021-03-08. Review status: no assertion criteria provided. Collection method: clinical testing. Allele origin: germline. Not counted in ClinVar's aggregate classification.